The following is an entry in ClinVar:

ClinVar aggregate classification (germline): Uncertain significance. Review status: criteria provided, multiple submitters, no conflicts (2 of 4 stars). 2 submissions from 2 submitters: Uncertain significance (2). Last evaluated 2025-06-06.

Conditions:
Inborn genetic diseases. Identifiers: MedGen C0950123, MeSH D030342.

Allele frequency attached by ClinVar (database versions not stated): TOPMed below 0.00001; gnomAD exomes 0.00001; ExAC 0.00002.
gnomAD v4.1: 17 of 1,613,940 alleles (0.0011%); highest among the groups gnomAD compares: South Asian, 0.018%; no homozygotes.

Submissions (2):

Ambry Genetics
Classification: Uncertain significance for Inborn genetic diseases. Last evaluated: 2025-06-06. Review status: criteria provided, single submitter. Criteria: Ambry Variant Classification Scheme 2023. Collection method: clinical testing. Allele origin: germline.

Labcorp Genetics (formerly Invitae), Labcorp
Classification: Uncertain significance. Last evaluated: 2022-10-26. Review status: criteria provided, single submitter. Criteria: Invitae Variant Classification Sherloc (09022015). Collection method: clinical testing. Allele origin: germline.
Comment: This sequence change replaces tyrosine, which is neutral and polar, with cysteine, which is neutral and slightly polar, at codon 289 of the TUBGCP6 protein (p.Tyr289Cys). This variant is present in population databases (rs771849680, gnomAD 0.006%). This variant has not been reported in the literature in individuals affected with TUBGCP6-related conditions. Algorithms developed to predict the effect of missense changes on protein structure and function are either unavailable or do not agree on the potential impact of this missense change (SIFT: "Deleterious"; PolyPhen-2: "Probably Damaging"; Align-GVGD: "Class C0"). In summary, the available evidence is currently insufficient to determine the role of this variant in disease. Therefore, it has been classified as a Variant of Uncertain Significance.

NM_020461.4(TUBGCP6):c.866A>G (p.Tyr289Cys)

Gene: TUBGCP6 (tubulin gamma complex component 6; minus strand). Cytogenetic location: 22q13.33.
Variant type: single nucleotide variant.
Coding change: c.866A>G on transcript NM_020461.4 (MANE Select); coding-DNA position 866, A replaced by G.
Protein change: p.Tyr289Cys; replaces tyrosine 289 with cysteine.
Molecular consequence: missense variant.
Genome position (GRCh38, 1-based): chr22:50,240,243, T>C on the plus strand (A>G on the coding strand, the complement: TUBGCP6 is on the minus strand). VCF-style: chr22-50240243-T-C. GRCh37 (hg19) VCF-style: chr22-50678672-T-C.
Other names: c.866A>G (NM_020461.3); short protein forms Y289C.
Identifiers: ClinVar variation 2192507 (VCV002192507.2), dbSNP rs771849680, ClinGen allele CA10308930.